The following is an entry in ClinVar:

NM_176824.3(BBS7):c.341+1G>T

Gene: BBS7 (Bardet-Biedl syndrome 7; minus strand). Cytogenetic location: 4q27.
Variant type: single nucleotide variant.
Coding change: c.341+1G>T on transcript NM_176824.3 (MANE Select); the canonical splice donor site of the intron after coding-DNA position 341, G replaced by T.
Molecular consequence: splice donor variant.
Genome position (GRCh38, 1-based): chr4:121,861,503, C>A on the plus strand (G>T on the coding strand, the complement: BBS7 is on the minus strand). VCF-style: chr4-121861503-C-A. GRCh37 (hg19) VCF-style: chr4-122782658-C-A.
Other names: c.341+1G>T (NM_018190.4).
Identifiers: ClinVar variation 3638798 (VCV003638798.2).

ClinVar aggregate classification (germline): Likely pathogenic (1 of 4 stars; one submission).

Conditions:
Bardet-Biedl syndrome (BBS). Identifiers: Orphanet 110, MedGen C0752166, MONDO:0015229.

Submission:

Labcorp Genetics (formerly Invitae), Labcorp
Classification: Likely pathogenic for Bardet-Biedl syndrome. Last evaluated: 2024-02-04. Review status: criteria provided, single submitter. Criteria: Invitae Variant Classification Sherloc (09022015). Collection method: clinical testing. Allele origin: germline.
Comment: This sequence change affects a donor splice site in intron 4 of the BBS7 gene. It is expected to disrupt RNA splicing. Variants that disrupt the donor or acceptor splice site typically lead to a loss of protein function (PMID: 16199547), and loss-of-function variants in BBS7 are known to be pathogenic (PMID: 12567324, 19402160, 21209035, 31196119). This variant is not present in population databases (gnomAD no frequency). This variant has not been reported in the literature in individuals affected with BBS7-related conditions. Algorithms developed to predict the effect of sequence changes on RNA splicing suggest that this variant may disrupt the consensus splice site. In summary, the currently available evidence indicates that the variant is pathogenic, but additional data are needed to prove that conclusively. Therefore, this variant has been classified as Likely Pathogenic.

Literature cited by the submitters: PubMed 16199547; PubMed 12567324; PubMed 19402160; PubMed 21209035; PubMed 31196119.